The following is an entry in ClinVar:

NM_001242896.3(DEPDC5):c.1288-3C>T

Gene: DEPDC5 (DEP domain containing 5, GATOR1 subcomplex subunit; plus strand). Cytogenetic location: 22q12.3.
Variant type: single nucleotide variant.
Coding change: c.1288-3C>T on transcript NM_001242896.3 (MANE Select); 3 bases into the intron before coding-DNA position 1288, C replaced by T.
Molecular consequence: intron variant.
Genome position (GRCh38, 1-based): chr22:31,809,608, C>T. VCF-style: chr22-31809608-C-T. GRCh37 (hg19) VCF-style: chr22-32205594-C-T.
Other names: c.1288-3C>T (NM_001364318.2, NM_001136029.4, NM_014662.6 and 7 more transcripts); c.1204-3C>T (NM_001369902.1, NM_001369901.1).
Identifiers: ClinVar variation 3603694 (VCV003603694.2).

ClinVar aggregate classification (germline): Uncertain significance (1 of 4 stars; one submission).

Conditions:
Familial focal epilepsy with variable foci (FPEVF). Identifiers: Orphanet 98820, MedGen C1858477, MONDO:0020310.

gnomAD v4.1: 1 of 1,613,980 alleles (0.000062%); highest among the groups gnomAD compares: Middle Eastern, 0.016%; no homozygotes.

Submission:

Labcorp Genetics (formerly Invitae), Labcorp
Classification: Uncertain significance for Familial focal epilepsy with variable foci. Last evaluated: 2024-11-09. Review status: criteria provided, single submitter. Criteria: Invitae Variant Classification Sherloc (09022015). Collection method: clinical testing. Allele origin: germline.
Comment: This sequence change falls in intron 18 of the DEPDC5 gene. It does not directly change the encoded amino acid sequence of the DEPDC5 protein. It affects a nucleotide within the consensus splice site. This variant is not present in population databases (gnomAD no frequency). This variant has not been reported in the literature in individuals affected with DEPDC5-related conditions. Variants that disrupt the consensus splice site are a relatively common cause of aberrant splicing (PMID: 17576681, 9536098). Algorithms developed to predict the effect of sequence changes on RNA splicing suggest that this variant is not likely to affect RNA splicing. In summary, the available evidence is currently insufficient to determine the role of this variant in disease. Therefore, it has been classified as a Variant of Uncertain Significance.

Literature cited by the submitters: PubMed 17576681; PubMed 9536098.